The following is an entry in ClinVar:

NM_177438.3(DICER1):c.850T>C (p.Cys284Arg)

Gene: DICER1 (dicer 1, ribonuclease III; minus strand). Cytogenetic location: 14q32.13.
Variant type: single nucleotide variant.
Coding change: c.850T>C on transcript NM_177438.3 (MANE Select); coding-DNA position 850, T replaced by C.
Protein change: p.Cys284Arg; replaces cysteine 284 with arginine.
Molecular consequence: missense variant.
Genome position (GRCh38, 1-based): chr14:95,126,633, A>G on the plus strand (T>C on the coding strand, the complement: DICER1 is on the minus strand). VCF-style: chr14-95126633-A-G. GRCh37 (hg19) VCF-style: chr14-95592970-A-G.
Other names: c.850T>C, p.Cys284Arg (NM_001195573.1, NM_001271282.3, NM_001291628.2 and 1 more transcripts); short protein forms C284R.
Identifiers: ClinVar variation 1429535 (VCV001429535.9), dbSNP rs1412252643, ClinGen allele CA390887535.

ClinVar aggregate classification (germline): Uncertain significance (1 of 4 stars; one submission).

Conditions:
DICER1-related tumor predisposition. Also called: DICER1-related pleuropulmonary blastoma cancer predisposition syndrome; DICER1 syndrome. Identifiers: Orphanet 284343, MedGen C3839822, MONDO:0100216.

Allele frequency attached by ClinVar (database versions not stated): gnomAD exomes below 0.00001.

Submission:

Labcorp Genetics (formerly Invitae), Labcorp
Classification: Uncertain significance for DICER1-related tumor predisposition. Last evaluated: 2021-05-26. Review status: criteria provided, single submitter. Criteria: Invitae Variant Classification Sherloc (09022015). Collection method: clinical testing. Allele origin: germline.
Comment: In summary, the available evidence is currently insufficient to determine the role of this variant in disease. Therefore, it has been classified as a Variant of Uncertain Significance. Algorithms developed to predict the effect of missense changes on protein structure and function are either unavailable or do not agree on the potential impact of this missense change (SIFT: "Tolerated"; PolyPhen-2: "Possibly Damaging"; Align-GVGD: "Class C0"). This variant has not been reported in the literature in individuals with DICER1-related conditions. This variant is not present in population databases (ExAC no frequency). This sequence change replaces cysteine with arginine at codon 284 of the DICER1 protein (p.Cys284Arg). The cysteine residue is highly conserved and there is a large physicochemical difference between cysteine and arginine.